The following is an entry in ClinVar:

ClinVar aggregate classification (germline): Uncertain significance (1 of 4 stars; one submission).

Submission:

Ambry Genetics
Classification: Uncertain significance. Last evaluated: 2022-06-05. Review status: criteria provided, single submitter. Criteria: Ambry Variant Classification Scheme 2023. Collection method: clinical testing. Allele origin: germline.
Comment: The p.P249R variant (also known as c.746C>G), located in coding exon 7 of the MARS gene, results from a C to G substitution at nucleotide position 746. The proline at codon 249 is replaced by arginine, an amino acid with dissimilar properties. This amino acid position is conserved. In addition, this alteration is predicted to be tolerated by in silico analysis. Since supporting evidence is limited at this time, the clinical significance of this alteration remains unclear.

NM_004990.4(MARS1):c.746C>G (p.Pro249Arg)

Gene: MARS1 (methionyl-tRNA synthetase 1; plus strand). Cytogenetic location: 12q13.3.
Variant type: single nucleotide variant.
Coding change: c.746C>G on transcript NM_004990.4 (MANE Select); coding-DNA position 746, C replaced by G.
Protein change: p.Pro249Arg; replaces proline 249 with arginine.
Molecular consequence: missense variant.
Genome position (GRCh38, 1-based): chr12:57,490,620, C>G. VCF-style: chr12-57490620-C-G. GRCh37 (hg19) VCF-style: chr12-57884403-C-G.
Other names: short protein forms P249R.
Identifiers: ClinVar variation 1800031 (VCV001800031.2), dbSNP rs146146070, ClinGen allele CA385492995.